The following is an entry in ClinVar:

ClinVar aggregate classification (germline): Uncertain significance. Review status: criteria provided, multiple submitters, no conflicts (2 of 4 stars). 2 submissions from 2 submitters: Uncertain significance (2). Last evaluated 2022-10-19.

Conditions:
Hermansky-Pudlak syndrome 5 (HPS5). Identifiers: Orphanet 231512, Orphanet 79430, MedGen C3888004, MONDO:0013557, OMIM 614074.

Allele frequency attached by ClinVar (database versions not stated): gnomAD exomes below 0.00001.
gnomAD v4.1: 2 of 1,614,168 alleles (0.00012%); highest among the groups gnomAD compares: Non-Finnish European, 0.00017%; no homozygotes.

Submissions (2):

Labcorp Genetics (formerly Invitae), Labcorp
Classification: Uncertain significance. Last evaluated: 2022-10-19. Review status: criteria provided, single submitter. Criteria: Invitae Variant Classification Sherloc (09022015). Collection method: clinical testing. Allele origin: germline.
Comment: This sequence change replaces glutamic acid, which is acidic and polar, with glycine, which is neutral and non-polar, at codon 715 of the HPS5 protein (p.Glu715Gly). This variant is not present in population databases (gnomAD no frequency). This variant has not been reported in the literature in individuals affected with HPS5-related conditions. ClinVar contains an entry for this variant (Variation ID: 303881). Algorithms developed to predict the effect of missense changes on protein structure and function (SIFT, PolyPhen-2, Align-GVGD) all suggest that this variant is likely to be tolerated. In summary, the available evidence is currently insufficient to determine the role of this variant in disease. Therefore, it has been classified as a Variant of Uncertain Significance.

Illumina Laboratory Services, Illumina
Classification: Uncertain significance for Hermansky-Pudlak syndrome 5. Last evaluated: 2018-01-12. Review status: criteria provided, single submitter. Criteria: ICSL Variant Classification Criteria 13 December 2019. Collection method: clinical testing. Allele origin: germline.

NM_181507.2(HPS5):c.2144A>G (p.Glu715Gly)

Gene: HPS5 (HPS5 biogenesis of lysosomal organelles complex 2 subunit 2; minus strand). Cytogenetic location: 11p15.1.
Variant type: single nucleotide variant.
Coding change: c.2144A>G on transcript NM_181507.2 (MANE Select); coding-DNA position 2144, A replaced by G.
Protein change: p.Glu715Gly; replaces glutamic acid 715 with glycine.
Molecular consequence: missense variant.
Genome position (GRCh38, 1-based): chr11:18,291,738, T>C on the plus strand (A>G on the coding strand, the complement: HPS5 is on the minus strand). VCF-style: chr11-18291738-T-C. GRCh37 (hg19) VCF-style: chr11-18313285-T-C.
Other names: c.1802A>G, p.Glu601Gly (NM_007216.4, NM_181508.2); short protein forms E715G, E601G.
Identifiers: ClinVar variation 303881 (VCV000303881.9), dbSNP rs886048078, ClinGen allele CA10638030.